The following is an entry in ClinVar:

NM_002474.3(MYH11):c.1826C>T (p.Ala609Val)

Gene: MYH11 (myosin heavy chain 11; minus strand). Cytogenetic location: 16p13.11.
Variant type: single nucleotide variant.
Coding change: c.1826C>T on transcript NM_002474.3 (MANE Select); coding-DNA position 1826, C replaced by T.
Protein change: p.Ala609Val; replaces alanine 609 with valine.
Molecular consequence: missense variant.
Genome position (GRCh38, 1-based): chr16:15,753,432, G>A on the plus strand (C>T on the coding strand, the complement: MYH11 is on the minus strand). VCF-style: chr16-15753432-G-A. GRCh37 (hg19) VCF-style: chr16-15847289-G-A.
Other names: c.1847C>T, p.Ala616Val (NM_001040113.2, NM_001040114.2); c.1826C>T, p.Ala609Val (NM_022844.3); short protein forms A609V, A616V.
Identifiers: ClinVar variation 4756664 (VCV004756664.1).

ClinVar aggregate classification (germline): Uncertain significance (1 of 4 stars; one submission).

Conditions:
Familial thoracic aortic aneurysm and aortic dissection (TAAD). Also called: Thoracic aortic aneurysms and dissections. Identifiers: Orphanet 91387, MedGen C4707243, MONDO:0019625.

Submission:

Color Diagnostics, LLC DBA Color Health
Classification: Uncertain significance for Familial thoracic aortic aneurysm and aortic dissection. Last evaluated: 2025-05-12. Review status: criteria provided, single submitter. Criteria: ACMG Guidelines, 2015. Collection method: clinical testing. Allele origin: germline.
Comment: This missense variant replaces alanine with valine at codon 616 of the MYH11 protein. Computational prediction suggests that this variant may not impact protein structure and function. To our knowledge, functional studies have not been reported for this variant. This variant has not been reported in individuals affected with MYH11-related disorders in the literature. This variant has not been identified in the general population by the Genome Aggregation Database (gnomAD). The available evidence is insufficient to determine the role of this variant in disease conclusively. Therefore, this variant is classified as a Variant of Uncertain Significance.